The following is an entry in ClinVar:

ClinVar aggregate classification (germline): Uncertain significance (1 of 4 stars; one submission).

Submission:

CeGaT Center for Human Genetics Tuebingen
Classification: Uncertain significance. Last evaluated: 2026-02-01. Review status: criteria provided, single submitter. Criteria: CeGaT Center For Human Genetics Tuebingen Variant Classification Criteria Version 2. Collection method: clinical testing. Allele origin: germline. Affected: yes. Observed: 1 variant allele.
Comment: NEXMIF: PM2, BP4

NM_001008537.3(NEXMIF):c.3887T>G (p.Met1296Arg)

Gene: NEXMIF (neurite extension and migration factor; minus strand). Cytogenetic location: Xq13.3.
Variant type: single nucleotide variant.
Coding change: c.3887T>G on transcript NM_001008537.3 (MANE Select); coding-DNA position 3887, T replaced by G.
Protein change: p.Met1296Arg; replaces methionine 1296 with arginine.
Molecular consequence: missense variant.
Genome position (GRCh38, 1-based): chrX:74,740,670, A>C on the plus strand (T>G on the coding strand, the complement: NEXMIF is on the minus strand). VCF-style: chrX-74740670-A-C. GRCh37 (hg19) VCF-style: chrX-73960505-A-C.
Other names: short protein forms M1296R.
Identifiers: ClinVar variation 4823112 (VCV004823112.4).